The following is an entry in ClinVar:

NM_206933.4(USH2A):c.3685_3686del (p.Leu1229fs)

Genes: USH2A (usherin; minus strand), USH2A-AS1 (USH2A antisense RNA 1; plus strand). Cytogenetic location: 1q41.
Variant type: Deletion.
Coding change: c.3685_3686del on transcript NM_206933.4 (MANE Select); coding-DNA positions 3685 to 3686, 2 bases deleted (TT; older notation c.3685_3686delTT).
Protein change: p.Leu1229fs; shifts the reading frame from leucine 1229.
Molecular consequence: frameshift variant.
Genome position (GRCh38, 1-based): chr1:216,199,752-216,199,753, AA deleted on the plus strand (TT on the coding strand, the reverse complement: USH2A is on the minus strand); deleting any 2 consecutive bases within chr1:216,199,752-216,199,754 gives the same sequence; the c. name uses the placement nearest the transcript's 3' end. VCF-style (leftmost placement, unchanged base first): chr1-216199751-TAA-T. GRCh37 (hg19) VCF-style: chr1-216373093-TAA-T.
Other names: c.3685_3686del, p.Leu1229fs (NM_007123.6); short protein forms L1229fs.
Identifiers: ClinVar variation 1725145 (VCV001725145.2), dbSNP rs2528045805, ClinGen allele CA2580062145.

ClinVar aggregate classification (germline): Likely pathogenic (1 of 4 stars; one submission).

Conditions:
Usher syndrome type 2A. Also called: RETINAL DISEASE IN USHER SYNDROME TYPE IIA, MODIFIER OF; USHER SYNDROME, TYPE IIA. Identifiers: Orphanet 231178, Orphanet 886, MedGen C1848634, MONDO:0010169, OMIM 276901.

Submission:

Myriad Genetics, Inc.
Classification: Likely pathogenic for Usher syndrome type 2A. Last evaluated: 2022-03-09. Review status: criteria provided, single submitter. Criteria: Myriad Women's Health Autosomal Recessive and X-Linked Classification Criteria (2021). Collection method: clinical testing. Allele origin: unknown.
Comment: NM_206933.2(USH2A):c.3685_3686delTT(L1229Tfs*21) is expected to be pathogenic in the context of USH2A-related disorders. This variant is predicted to lead to an abnormal or absent protein product due to the creation of a premature termination codon in USH2A, a gene where loss-of-function variants are known to be pathogenic. Please note: this variant was assessed in the context of healthy population screening.